The following is an entry in ClinVar:

ClinVar aggregate classification (germline): Uncertain significance. Review status: criteria provided, multiple submitters, no conflicts (2 of 4 stars). 2 submissions from 2 submitters: Uncertain significance (2). Last evaluated 2026-05-14.

Conditions:
Ullrich congenital muscular dystrophy 2 (UCMD2). Identifiers: Orphanet 75840, MedGen C4225314, MONDO:0014654, OMIM 616470.
Bethlem myopathy 2 (BTHLM2). Identifiers: Orphanet 536516, Orphanet 610, MedGen C4225313, MONDO:0034022, OMIM 616471.

Allele frequency attached by ClinVar (database versions not stated): gnomAD exomes below 0.00001.
gnomAD v4.1: 1 of 1,611,966 alleles (0.000062%); highest among the groups gnomAD compares: Non-Finnish European, 0.000085%; no homozygotes.

Submissions (2):

Women's Health and Genetics/Laboratory Corporation of America, LabCorp
Classification: Uncertain significance. Last evaluated: 2026-05-14. Review status: criteria provided, single submitter. Criteria: LabCorp Variant Classification Summary - May 2015. Collection method: clinical testing. Allele origin: germline.
Comment: Variant summary: COL12A1 c.653T>G (p.Met218Arg) results in a non-conservative amino acid change in the encoded protein sequence. Algorithms developed to predict the effect of missense changes on protein structure and function are either unavailable or do not agree on the potential impact of this missense change. The variant allele was found at a frequency of 4.1e-06 in 245674 control chromosomes. The available data on variant occurrences in the general population are insufficient to allow any conclusion about variant significance. To our knowledge, no occurrence of c.653T>G in individuals affected with COL12A1-related conditions and no experimental evidence demonstrating its impact on protein function have been reported. ClinVar contains an entry for this variant (Variation ID: 1016235). Based on the evidence outlined above, the variant was classified as uncertain significance.

Labcorp Genetics (formerly Invitae), Labcorp
Classification: Uncertain significance for Bethlem myopathy 2; Ullrich congenital muscular dystrophy 2. Last evaluated: 2022-08-15. Review status: criteria provided, single submitter. Criteria: Invitae Variant Classification Sherloc (09022015). Collection method: clinical testing. Allele origin: germline.
Comment: This variant has not been reported in the literature in individuals affected with COL12A1-related conditions. This variant is present in population databases (no rsID available, gnomAD 0.0009%). This sequence change replaces methionine, which is neutral and non-polar, with arginine, which is basic and polar, at codon 218 of the COL12A1 protein (p.Met218Arg). ClinVar contains an entry for this variant (Variation ID: 1016235). In summary, the available evidence is currently insufficient to determine the role of this variant in disease. Therefore, it has been classified as a Variant of Uncertain Significance. Algorithms developed to predict the effect of missense changes on protein structure and function are either unavailable or do not agree on the potential impact of this missense change (SIFT: "Deleterious"; PolyPhen-2: "Probably Damaging"; Align-GVGD: "Class C0").

NM_004370.6(COL12A1):c.653T>G (p.Met218Arg)

Gene: COL12A1 (collagen type XII alpha 1 chain; minus strand). Cytogenetic location: 6q13.
Variant type: single nucleotide variant.
Coding change: c.653T>G on transcript NM_004370.6 (MANE Select); coding-DNA position 653, T replaced by G.
Protein change: p.Met218Arg; replaces methionine 218 with arginine.
Molecular consequence: missense variant. On other transcripts: intron variant (1).
Genome position (GRCh38, 1-based): chr6:75,189,557, A>C on the plus strand (T>G on the coding strand, the complement: COL12A1 is on the minus strand). VCF-style: chr6-75189557-A-C. GRCh37 (hg19) VCF-style: chr6-75899273-A-C.
Other names: c.73+13163T>G (NM_080645.3); short protein forms M218R.
Identifiers: ClinVar variation 1016235 (VCV001016235.10), dbSNP rs756215547, ClinGen allele CA364728423.
Genomic context (GRCh38, chr6:75,189,557, plus strand): 5'-TTCTGAAACAGACATTTCATTTATTTTTAACTTTAAAAAAATCTGTAGAACATACCTGTC[A>C]TTGTGTTGCCACCTTTATATGGAATTTTTTTTATTGCAGCAAGAAGTTCATCCCTTTGGT-3'
Protein context (NP_004361.3, residues 208-228): KKIPYKGGNT[Met218Arg]TGDAIDYLVK